The following is an entry in ClinVar:

ClinVar aggregate classification (germline): Uncertain significance (1 of 4 stars; one submission).

gnomAD v4.1: 8 of 1,535,562 alleles (0.00052%); highest among the groups gnomAD compares: Admixed American, 0.014%; no homozygotes.

Submission:

GeneDx
Classification: Uncertain significance. Last evaluated: 2023-12-14. Review status: criteria provided, single submitter. Criteria: GeneDx Variant Classification Process June 2021. Collection method: clinical testing. Allele origin: germline. Affected: yes.
Comment: Nonsense variant predicted to result in protein truncation or nonsense mediated decay in a gene for which loss of function is a known mechanism of disease; Has not been previously published as pathogenic or benign to our knowledge

NM_018255.4(ELP2):c.523+588A>T

Gene: ELP2 (elongator acetyltransferase complex subunit 2; plus strand). Cytogenetic location: 18q12.2.
Variant type: single nucleotide variant.
Coding change: c.523+588A>T on transcript NM_018255.4 (MANE Select); 588 bases into the intron after coding-DNA position 523, A replaced by T.
Molecular consequence: intron variant. On other transcripts: nonsense (3).
Genome position (GRCh38, 1-based): chr18:36,139,460, A>T. VCF-style: chr18-36139460-A-T. GRCh37 (hg19) VCF-style: chr18-33719423-A-T.
Other names: c.565A>T, p.Lys189Ter (NM_001242875.3); c.487A>T, p.Lys163Ter (NM_001242876.3, NM_001324466.2); c.523+588A>T (NM_001324467.2, NM_001324465.2); c.445+1034A>T (NM_001242877.3, NM_001242878.3, NM_001242879.3); c.76+588A>T (NM_001324468.2); short protein forms K163*, K189*.
Identifiers: ClinVar variation 3365472 (VCV003365472.1).